The following is an entry in ClinVar:

ClinVar aggregate classification (germline): Uncertain significance. Review status: criteria provided, multiple submitters, no conflicts (2 of 4 stars). 2 submissions from 2 submitters: Uncertain significance (2). Last evaluated 2025-05-22.

Conditions:
Inborn genetic diseases. Identifiers: MedGen C0950123, MeSH D030342.

Allele frequency attached by ClinVar (database versions not stated): gnomAD exomes below 0.00001; TOPMed below 0.00001; ExAC 0.00002.
gnomAD v4.1: 8 of 1,614,064 alleles (0.0005%); highest among the groups gnomAD compares: Non-Finnish European, 0.00059%; 1 homozygote.

Submissions (2):

Labcorp Genetics (formerly Invitae), Labcorp
Classification: Uncertain significance. Last evaluated: 2025-05-22. Review status: criteria provided, single submitter. Criteria: Invitae Variant Classification Sherloc (09022015). Collection method: clinical testing. Allele origin: germline.
Comment: This sequence change replaces proline, which is neutral and non-polar, with alanine, which is neutral and non-polar, at codon 2531 of the SRCAP protein (p.Pro2531Ala). This variant is present in population databases (rs760984650, gnomAD 0.0009%). This variant has not been reported in the literature in individuals affected with SRCAP-related conditions. ClinVar contains an entry for this variant (Variation ID: 2320979). Invitae Evidence Modeling of protein sequence and biophysical properties (such as structural, functional, and spatial information, amino acid conservation, physicochemical variation, residue mobility, and thermodynamic stability) indicates that this missense variant is not expected to disrupt SRCAP protein function with a negative predictive value of 80%. In summary, the available evidence is currently insufficient to determine the role of this variant in disease. Therefore, it has been classified as a Variant of Uncertain Significance.

Ambry Genetics
Classification: Uncertain significance for Inborn genetic diseases. Last evaluated: 2022-10-27. Review status: criteria provided, single submitter. Criteria: Ambry Variant Classification Scheme 2023. Collection method: clinical testing. Allele origin: germline.

NM_006662.3(SRCAP):c.7591C>G (p.Pro2531Ala)

Gene: SRCAP (Snf2 related CREBBP activator protein; plus strand). Cytogenetic location: 16p11.2.
Variant type: single nucleotide variant.
Coding change: c.7591C>G on transcript NM_006662.3 (MANE Select); coding-DNA position 7591, C replaced by G.
Protein change: p.Pro2531Ala; replaces proline 2531 with alanine.
Molecular consequence: missense variant.
Genome position (GRCh38, 1-based): chr16:30,737,631, C>G. VCF-style: chr16-30737631-C-G. GRCh37 (hg19) VCF-style: chr16-30748952-C-G.
Other names: short protein forms P2531A.
Identifiers: ClinVar variation 2320979 (VCV002320979.3), dbSNP rs760984650, ClinGen allele CA8012518.